The following is an entry in ClinVar:

ClinVar aggregate classification (germline): Uncertain significance (1 of 4 stars; one submission).

Conditions:
HTRA1-related disorder. Also called: HTRA1-related condition.

Submission:

PreventionGenetics, part of Exact Sciences
Classification: Uncertain significance for HTRA1-related condition. Last evaluated: 2024-10-24. Review status: criteria provided, single submitter. Criteria: ACMG Guidelines, 2015. Collection method: clinical testing. Allele origin: germline.
Comment: The HTRA1 c.962C>T variant is predicted to result in the amino acid substitution p.Ala321Val. To our knowledge, this variant has not been reported in the literature or in a large population database (gnomAD), indicating this variant is rare. At this time, the clinical significance of this variant is uncertain due to the absence of conclusive functional and genetic evidence.

NM_002775.5(HTRA1):c.962C>T (p.Ala321Val)

Gene: HTRA1 (HtrA serine peptidase 1; plus strand). Cytogenetic location: 10q26.13.
Variant type: single nucleotide variant.
Coding change: c.962C>T on transcript NM_002775.5 (MANE Select); coding-DNA position 962, C replaced by T.
Protein change: p.Ala321Val; replaces alanine 321 with valine.
Molecular consequence: missense variant.
Genome position (GRCh38, 1-based): chr10:122,506,875, C>T. VCF-style: chr10-122506875-C-T. GRCh37 (hg19) VCF-style: chr10-124266391-C-T.
Other names: short protein forms A321V.
Identifiers: ClinVar variation 4997765 (VCV004997765.1).
Genomic context (GRCh38, chr10:122,506,875, plus strand): 5'-AGCGAGGCGGCAAAGAGCTGGGGCTCCGCAACTCAGACATGGACTACATCCAGACCGACG[C>T]CATCATCAACGTGAGCCTCTGTCCCTCTGCGGGTGGGGATTGGGGCAGAGTTTTGCCAGG-3'
Protein context (NP_002766.1, residues 311-331): NSDMDYIQTD[Ala321Val]IINYGNSGGP